The following is an entry in ClinVar:

ClinVar aggregate classification (germline): Conflicting classifications of pathogenicity. Review status: criteria provided, conflicting classifications (1 of 4 stars). 8 submissions from 7 submitters: Uncertain significance (1); Likely benign (5). 2 of the submissions do not count toward it. Last evaluated 2026-03-06.

Conditions:
Pendred syndrome (PDS). Also called: Pendred's syndrome; Pendred Syndrome (PDS); DEAFNESS WITH GOITER; GOITER-DEAFNESS SYNDROME; HYPOTHYROIDISM, CONGENITAL, DUE TO DYSHORMONOGENESIS, 2B; THYROID DYSHORMONOGENESIS 2B. Identifiers: Orphanet 705, MedGen C0271829, MONDO:0010134, OMIM 274600.
Autosomal recessive nonsyndromic hearing loss 4 (DFNB4). Also called: Deafness, autosomal recessive 4; Enlarged vestibular aqueduct, digenic; DEAFNESS, AUTOSOMAL RECESSIVE 4, WITH ENLARGED VESTIBULAR AQUEDUCT, DIGENIC; Nonsyndromic enlarged vestibular aqueduct (NSEVA); Deafness, autosomal recessive 4, with enlarged vestibular aqueduct; FOXI1-Related Pendred Syndrome. Identifiers: Orphanet 90636, MedGen C3538946, MONDO:0010933, OMIM 600791.
SLC26A4-related disorder. Also called: SLC26A4-related condition; SLC26A4-related disorders.

Allele frequency attached by ClinVar (database versions not stated): gnomAD 0.00006; TOPMed 0.00017.
gnomAD v4.1: 192 of 1,610,542 alleles (0.012%); highest among the groups gnomAD compares: Admixed American, 0.023%; no homozygotes.

Submissions (8):

Women's Health and Genetics/Laboratory Corporation of America, LabCorp
Classification: Likely benign. Last evaluated: 2026-03-06. Review status: criteria provided, single submitter. Criteria: LabCorp Variant Classification Summary - May 2015. Collection method: clinical testing. Allele origin: germline.

Labcorp Genetics (formerly Invitae), Labcorp
Classification: Likely benign. Last evaluated: 2026-01-16. Review status: criteria provided, single submitter. Criteria: Invitae Variant Classification Sherloc (09022015). Collection method: clinical testing. Allele origin: germline.

Genome-Nilou Lab
Classification: Likely benign for Autosomal recessive nonsyndromic hearing loss 4. Last evaluated: 2021-09-05. Review status: criteria provided, single submitter. Criteria: ACMG Guidelines, 2015. Collection method: clinical testing. Allele origin: germline. Affected: no.

Genome-Nilou Lab
Classification: Likely benign for Pendred syndrome. Last evaluated: 2021-09-05. Review status: criteria provided, single submitter. Criteria: ACMG Guidelines, 2015. Collection method: clinical testing. Allele origin: germline. Affected: no.

GeneDx
Classification: Likely benign. Last evaluated: 2020-06-18. Review status: criteria provided, single submitter. Criteria: GeneDx Variant Classification Process June 2021. Collection method: clinical testing. Allele origin: germline. Affected: yes.

Eurofins Ntd Llc (ga)
Classification: Uncertain significance. Last evaluated: 2016-06-07. Review status: criteria provided, single submitter. Criteria: EGL Classification Definitions 2015. Collection method: clinical testing. Allele origin: germline. Observed: 1 variant allele, 1 heterozygote.

Natera, Inc.
Classification: Likely benign for Pendred syndrome. Last evaluated: 2020-06-05. Review status: no assertion criteria provided. Collection method: clinical testing. Allele origin: germline. Not counted in ClinVar's aggregate classification.

PreventionGenetics, part of Exact Sciences
Classification: Likely benign for SLC26A4-related condition. Last evaluated: 2020-01-07. Review status: no assertion criteria provided. Collection method: clinical testing. Allele origin: germline. Not counted in ClinVar's aggregate classification.
Comment: This variant is classified as likely benign based on ACMG/AMP sequence variant interpretation guidelines (Richards et al. 2015 PMID: 25741868, with internal and published modifications).

NM_000441.2(SLC26A4):c.1233C>T (p.Ala411=)

Gene: SLC26A4 (solute carrier family 26 member 4; plus strand). Cytogenetic location: 7q22.3.
Variant type: single nucleotide variant.
Coding change: c.1233C>T on transcript NM_000441.2 (MANE Select); coding-DNA position 1233, C replaced by T.
Protein change: p.Ala411=; no amino-acid change (alanine 411 retained).
Molecular consequence: synonymous variant.
Genome position (GRCh38, 1-based): chr7:107,690,207, C>T. VCF-style: chr7-107690207-C-T. GRCh37 (hg19) VCF-style: chr7-107330652-C-T.
Identifiers: ClinVar variation 287878 (VCV000287878.25), dbSNP rs766572560, ClinGen allele CA4432726.